The following is an entry in ClinVar:

NM_001626.6(AKT2):c.1112G>A (p.Arg371His)

Gene: AKT2 (AKT serine/threonine kinase 2; minus strand). Cytogenetic location: 19q13.2.
Variant type: single nucleotide variant.
Coding change: c.1112G>A on transcript NM_001626.6 (MANE Select); coding-DNA position 1112, G replaced by A.
Protein change: p.Arg371His; replaces arginine 371 with histidine.
Molecular consequence: missense variant.
Genome position (GRCh38, 1-based): chr19:40,235,953, C>T on the plus strand (G>A on the coding strand, the complement: AKT2 is on the minus strand). VCF-style: chr19-40235953-C-T. GRCh37 (hg19) VCF-style: chr19-40741860-C-T.
Other names: c.926G>A, p.Arg309His (NM_001243027.3, NM_001243028.3); c.983G>A, p.Arg328His (NM_001330511.1); c.1112G>A, p.Arg371His (LRG_1391t1); short protein forms R371H, R328H, R309H.
Identifiers: ClinVar variation 376038 (VCV000376038.6), dbSNP rs778561687, ClinGen allele CA16602505.

ClinVar aggregate classification (germline): Uncertain significance (1 of 4 stars; one submission).

Conditions:
Type 2 diabetes mellitus. Also called: Type II diabetes mellitus. Identifiers: MedGen C0011860, MeSH D003924, MONDO:0005148, OMIM 125853, HP:0005978.
Hypoinsulinemic hypoglycemia and body hemihypertrophy. Also called: Hypoinsulinemic hypoglycemia and hemihypertrophy. Identifiers: Orphanet 293964, MedGen C3278384, MONDO:0009416, OMIM 240900.

Allele frequency attached by ClinVar (database versions not stated): TOPMed below 0.00001; gnomAD exomes 0.00001; gnomAD 0.00003.

Submission:

Labcorp Genetics (formerly Invitae), Labcorp
Classification: Uncertain significance for Hypoinsulinemic hypoglycemia and body hemihypertrophy; Type 2 diabetes mellitus. Last evaluated: 2022-02-28. Review status: criteria provided, single submitter. Criteria: Invitae Variant Classification Sherloc (09022015). Collection method: clinical testing. Allele origin: germline.
Comment: In summary, the available evidence is currently insufficient to determine the role of this variant in disease. Therefore, it has been classified as a Variant of Uncertain Significance. Algorithms developed to predict the effect of missense changes on protein structure and function are either unavailable or do not agree on the potential impact of this missense change (SIFT: "Deleterious"; PolyPhen-2: "Benign"; Align-GVGD: "Class C0"). ClinVar contains an entry for this variant (Variation ID: 376038). This variant has not been reported in the literature in individuals affected with AKT2-related conditions. This variant is present in population databases (no rsID available, gnomAD 0.003%). This sequence change replaces arginine, which is basic and polar, with histidine, which is basic and polar, at codon 371 of the AKT2 protein (p.Arg371His).